The following is an entry in ClinVar:

ClinVar aggregate classification (germline): Uncertain significance (1 of 4 stars; one submission).

Conditions:
Predisposition to Wilms tumor.

Submission:

St. Jude Molecular Pathology, St. Jude Children's Research Hospital
Classification: Uncertain significance for Predisposition to Wilms tumor. Last evaluated: 2024-07-08. Review status: criteria provided, single submitter. Criteria: St. Jude Assertion Criteria 2020. Collection method: clinical testing. Allele origin: germline.
Comment: The CTR9 c.598G>A (p.Val200Ile) missense change is absent in gnomAD v2.1.1. The in silico tool REVEL is inconclusive about a pathogenic or benign effect of this variant on protein function, and to our knowledge functional studies have not been performed. To our knowledge, this variant has not been reported in individuals with Wilms tumor. In summary, the evidence currently available is insufficient to determine the clinical significance of this variant. It has therefore been classified as of uncertain significance.

NM_014633.5(CTR9):c.598G>A (p.Val200Ile)

Gene: CTR9 (CTR9 homolog, Paf1/RNA polymerase II complex component; plus strand). Cytogenetic location: 11p15.4.
Variant type: single nucleotide variant.
Coding change: c.598G>A on transcript NM_014633.5 (MANE Select); coding-DNA position 598, G replaced by A.
Protein change: p.Val200Ile; replaces valine 200 with isoleucine.
Molecular consequence: missense variant.
Genome position (GRCh38, 1-based): chr11:10,760,178, G>A. VCF-style: chr11-10760178-G-A. GRCh37 (hg19) VCF-style: chr11-10781725-G-A.
Other names: c.598G>A, p.Val200Ile (NM_001346279.2); short protein forms V200I.
Identifiers: ClinVar variation 3602717 (VCV003602717.1).